The following is an entry in ClinVar:

ClinVar aggregate classification (germline): Conflicting classifications of pathogenicity. Review status: criteria provided, conflicting classifications (1 of 4 stars). 8 submissions from 8 submitters: Likely pathogenic (6); Uncertain significance (1). 1 of the submissions does not count toward it. Last evaluated 2025-10-02.

Conditions:
POMT2-related disorder. Also called: POMT2-related condition.
Autosomal recessive limb-girdle muscular dystrophy type 2N. Also called: MUSCULAR DYSTROPHY-DYSTROGLYCANOPATHY, LIMB-GIRDLE, POMT2-RELATED; Muscular dystrophy-dystroglycanopathy (limb-girdle), type C, 2. Identifiers: Orphanet 206559, MedGen C3150418, MONDO:0013162, OMIM 613158.
Muscular dystrophy-dystroglycanopathy (congenital with brain and eye anomalies), type A2. Also called: WALKER-WARBURG SYNDROME OR MUSCLE-EYE-BRAIN DISEASE, POMT2-RELATED; MUSCULAR DYSTROPHY-DYSTROGLYCANOPATHY (CONGENITAL WITH BRAIN AND EYE ANOMALIES), TYPE A, 2. Identifiers: Orphanet 588, Orphanet 899, MedGen C3150411, MONDO:0013154, OMIM 613150.
Muscular dystrophy-dystroglycanopathy (congenital with impaired intellectual development), type B, 2. Also called: MUSCULAR DYSTROPHY, CONGENITAL, POMT2-RELATED; Muscular dystrophy-dystroglycanopathy (congenital with intellectual disability), type B2. Identifiers: MedGen C3150416, MONDO:0013160, OMIM 613156.

Allele frequency attached by ClinVar (database versions not stated): gnomAD 0.00001; ESP Exome Variant Server 0.00008; 1000 Genomes Project 30x 0.00016; TOPMed 0.00002; ExAC 0.00003; 1000 Genomes Project 0.00020.
gnomAD v4.1: 66 of 1,613,642 alleles (0.0041%); highest among the groups gnomAD compares: Non-Finnish European, 0.0053%; no homozygotes.

Submissions (8):

Labcorp Genetics (formerly Invitae), Labcorp
Classification: Likely pathogenic for Muscular dystrophy-dystroglycanopathy (congenital with impaired intellectual development), type B, 2; Muscular dystrophy-dystroglycanopathy (congenital with brain and eye anomalies), type A2; Autosomal recessive limb-girdle muscular dystrophy type 2N. Last evaluated: 2025-10-02. Review status: criteria provided, single submitter. Criteria: Invitae Variant Classification Sherloc (09022015). Collection method: clinical testing. Allele origin: germline.
Comment: This sequence change replaces arginine, which is basic and polar, with proline, which is neutral and non-polar, at codon 413 of the POMT2 protein (p.Arg413Pro). This variant is present in population databases (rs190285831, gnomAD 0.006%). This missense change has been observed in individual(s) with clinical features of muscular dystrophy-dystroglycanopathy (PMID: 17878207, 26013959, 26886200, 28973083, 29175898, 36048137). ClinVar contains an entry for this variant (Variation ID: 3225). Invitae Evidence Modeling of protein sequence and biophysical properties (such as structural, functional, and spatial information, amino acid conservation, physicochemical variation, residue mobility, and thermodynamic stability) has been performed for this missense variant. However, the output from this modeling did not meet the statistical confidence thresholds required to predict the impact of this variant on POMT2 protein function. In summary, the currently available evidence indicates that the variant is pathogenic, but additional data are needed to prove that conclusively. Therefore, this variant has been classified as Likely Pathogenic.

Revvity Omics, Revvity
Classification: Likely pathogenic. Last evaluated: 2024-07-18. Review status: criteria provided, single submitter. Criteria: ACMG Guidelines, 2015. Collection method: clinical testing. Allele origin: germline.

Fulgent Genetics
Classification: Likely pathogenic for Muscular dystrophy-dystroglycanopathy (congenital with brain and eye anomalies), type A2; Muscular dystrophy-dystroglycanopathy (congenital with impaired intellectual development), type B, 2; Autosomal recessive limb-girdle muscular dystrophy type 2N. Last evaluated: 2024-04-25. Review status: criteria provided, single submitter. Criteria: ACMG Guidelines, 2015. Collection method: clinical testing. Allele origin: germline.

Baylor Genetics
Classification: Likely pathogenic for Muscular dystrophy-dystroglycanopathy (congenital with brain and eye anomalies), type A2. Last evaluated: 2024-03-28. Review status: criteria provided, single submitter. Criteria: ACMG Guidelines, 2015. Collection method: clinical testing. Allele origin: unknown.

Blueprint Genetics
Classification: Likely pathogenic for POMT2-related disorders. Last evaluated: 2023-04-14. Review status: criteria provided, single submitter. Criteria: ACMG Guidelines, 2015. Collection method: clinical testing. Allele origin: germline. Affected: yes. Observed: 2 variant alleles.

New York Genome Center
Classification: Likely pathogenic for Autosomal recessive limb-girdle muscular dystrophy type 2N; Muscular dystrophy-dystroglycanopathy (congenital with brain and eye anomalies), type A2; Muscular dystrophy-dystroglycanopathy (congenital with impaired intellectual development), type B, 2. Last evaluated: 2022-10-21. Review status: criteria provided, single submitter. Criteria: NYGC Assertion Criteria 2020. Collection method: clinical testing. Allele origin: inherited. Affected: yes. Observed: 1 compound heterozygote. Study: PrenatalSEQ.
Comment: The c.1238G>C variant in POMT2 has previously been reported in compound heterozygous state in individuals with Walker-Warburg syndrome (WWS), muscle-eye-brain disease (MEB) and limb-girdle muscular dystrophy (LGMD) patients [PMID: 17878207, 36048137, 28973083, 31980526, 29175898, 30060766, 32528171] and it has been deposited in ClinVar [ClinVar ID: 3225] as Variant of Uncertain Significance. The c.1238G>C variant is observed in 16 alleles (~0.0020% minor allele frequency with 0 homozygotes) in population databases (gnomAD v2.1.1 and v3.1.2, TOPMed Freeze 8, All of Us), suggesting it is not a common benign variant in the populations represented in those databases. The c.1238G>C variant in POMT2 is located in exon 11 of this 21-exon gene and predicted to replace an evolutionarily conserved arginine amino acid with proline at position 413 in the MIR domain [PMID: 34413876] of the encoded protein. In silico predictions are in favor of damaging effect for p.(Arg413Pro) [(CADD v1.6 = 31, REVEL = 0.981)]; however, there are no functional studies to support or refute these predictions. Variants nearby p.(Arg421Trp) within the kinase domain have been reported in the literature [PMID: 34413876] and ClinVar [ClinVar ID: 162597] in individuals with POMT2-related a-dystroglycanopathy. Based on available evidence this inherited c.1238G>C p.(Arg413Pro) variant identified in POMT2 is classified here as Likely Pathogenic.

Eurofins Ntd Llc (ga)
Classification: Uncertain significance. Last evaluated: 2017-04-13. Review status: criteria provided, single submitter. Criteria: EGL Classification Definitions 2015. Collection method: clinical testing. Allele origin: germline. Observed: 5 variant alleles, 4 heterozygotes, 1 homozygote.

OMIM
Classification: Pathogenic for MUSCULAR DYSTROPHY-DYSTROGLYCANOPATHY (CONGENITAL WITH BRAIN AND EYE ANOMALIES), TYPE A, 2. Last evaluated: 2007-10-01. Review status: no assertion criteria provided. Collection method: literature only. Allele origin: germline. Not counted in ClinVar's aggregate classification.

Literature cited by the submitters: PubMed 17878207 (cited by 3 submitters); PubMed 26013959 (cited by Labcorp Genetics (formerly Invitae), Labcorp); PubMed 26886200 (cited by Labcorp Genetics (formerly Invitae), Labcorp); PubMed 28973083 (cited by Labcorp Genetics (formerly Invitae), Labcorp and New York Genome Center); PubMed 29175898 (cited by Labcorp Genetics (formerly Invitae), Labcorp and New York Genome Center); PubMed 36048137 (cited by Labcorp Genetics (formerly Invitae), Labcorp and New York Genome Center); PubMed 31980526 (cited by New York Genome Center); PubMed 30060766 (cited by New York Genome Center); PubMed 32528171 (cited by New York Genome Center).

NM_013382.7(POMT2):c.1238G>C (p.Arg413Pro)

Gene: POMT2 (protein O-mannosyltransferase 2; minus strand). Cytogenetic location: 14q24.3.
Variant type: single nucleotide variant.
Coding change: c.1238G>C on transcript NM_013382.7 (MANE Select); coding-DNA position 1238, G replaced by C.
Protein change: p.Arg413Pro; replaces arginine 413 with proline.
Molecular consequence: missense variant.
Genome position (GRCh38, 1-based): chr14:77,288,777, C>G on the plus strand (G>C on the coding strand, the complement: POMT2 is on the minus strand). VCF-style: chr14-77288777-C-G. GRCh37 (hg19) VCF-style: chr14-77755120-C-G.
Other names: R413P.
Identifiers: ClinVar variation 3225 (VCV000003225.24), dbSNP rs190285831, ClinGen allele CA223063.